The following is an entry in ClinVar:

NM_002471.4(MYH6):c.2086C>T (p.Arg696Cys)

Gene: MYH6 (myosin heavy chain 6; minus strand). Cytogenetic location: 14q11.2.
Variant type: single nucleotide variant.
Coding change: c.2086C>T on transcript NM_002471.4 (MANE Select); coding-DNA position 2086, C replaced by T.
Protein change: p.Arg696Cys; replaces arginine 696 with cysteine.
Molecular consequence: missense variant.
Genome position (GRCh38, 1-based): chr14:23,397,045, G>A on the plus strand (C>T on the coding strand, the complement: MYH6 is on the minus strand). VCF-style: chr14-23397045-G-A. GRCh37 (hg19) VCF-style: chr14-23866254-G-A.
Other names: short protein forms R696C.
Identifiers: ClinVar variation 228889 (VCV000228889.16), dbSNP rs778886029, ClinGen allele CA7115593.

ClinVar aggregate classification (germline): Uncertain significance. Review status: criteria provided, multiple submitters, no conflicts (2 of 4 stars). 8 submissions from 8 submitters: Uncertain significance (6). 2 of the submissions do not count toward it. Last evaluated 2026-07-21.

Conditions:
Cardiovascular phenotype. Identifiers: MedGen CN230736.
Atrial septal defect 3 (ASD3). Identifiers: Orphanet 1478, MedGen C3279790, MONDO:0013567, OMIM 614089.
Hypertrophic cardiomyopathy 14. Identifiers: MedGen C2750467, MONDO:0013197, OMIM 613251.

Allele frequency attached by ClinVar (database versions not stated): gnomAD 0.00001; ExAC 0.00002; gnomAD exomes 0.00002 and 0.00003; TOPMed 0.00002; 1000 Genomes Project 30x 0.00016.
gnomAD v4.1: 17 of 1,614,182 alleles (0.0011%); highest among the groups gnomAD compares: South Asian, 0.0044%; no homozygotes.

Submissions (8):

GeneDx
Classification: Uncertain significance. Last evaluated: 2026-07-21. Review status: criteria provided, single submitter. Criteria: GeneDx Variant Classification Process June 2021. Collection method: clinical testing. Allele origin: germline.
Comment: In silico analysis supports that this missense variant has a deleterious effect on protein structure/function; This variant is associated with the following publications: (PMID: 35993536)

Ambry Genetics
Classification: Uncertain significance for Cardiovascular phenotype. Last evaluated: 2025-05-25. Review status: criteria provided, single submitter. Criteria: Ambry Variant Classification Scheme 2023. Collection method: clinical testing. Allele origin: germline.
Comment: The p.R696C variant (also known as c.2086C>T), located in coding exon 16 of the MYH6 gene, results from a C to T substitution at nucleotide position 2086. The arginine at codon 696 is replaced by cysteine, an amino acid with highly dissimilar properties. This variant was reported in individual(s) with features consistent with congenital heart defect (Zhang Y et al. Mol Genet Genomic Med, 2022 Oct;10:e2041). This amino acid position is highly conserved in available vertebrate species. In addition, this alteration is predicted to be deleterious by in silico analysis. Based on the available evidence, the clinical significance of this variant remains unclear.

Labcorp Genetics (formerly Invitae), Labcorp
Classification: Uncertain significance for Hypertrophic cardiomyopathy 14. Last evaluated: 2025-05-17. Review status: criteria provided, single submitter. Criteria: Invitae Variant Classification Sherloc (09022015). Collection method: clinical testing. Allele origin: germline.
Comment: This sequence change replaces arginine, which is basic and polar, with cysteine, which is neutral and slightly polar, at codon 696 of the MYH6 protein (p.Arg696Cys). This variant is present in population databases (rs778886029, gnomAD 0.006%). This missense change has been observed in individual(s) with structural heart defects (PMID: 35993536). ClinVar contains an entry for this variant (Variation ID: 228889). Invitae Evidence Modeling of protein sequence and biophysical properties (such as structural, functional, and spatial information, amino acid conservation, physicochemical variation, residue mobility, and thermodynamic stability) indicates that this missense variant is expected to disrupt MYH6 protein function with a positive predictive value of 80%. In summary, the available evidence is currently insufficient to determine the role of this variant in disease. Therefore, it has been classified as a Variant of Uncertain Significance.

Laboratory of Genetics, Children's Clinical University Hospital Latvia
Classification: Uncertain significance. Last evaluated: 2025-02-16. Review status: criteria provided, single submitter. Criteria: ACMG Guidelines, 2015. Collection method: clinical testing. Allele origin: germline. Affected: yes.

Victorian Clinical Genetics Services, Murdoch Childrens Research Institute
Classification: Uncertain significance for Atrial septal defect 3. Last evaluated: 2021-05-06. Review status: criteria provided, single submitter. Criteria: ACMG Guidelines, 2015. Collection method: clinical testing. Allele origin: germline. Inheritance: Autosomal dominant inheritance. Affected: yes.
Comment: Based on the classification scheme VCGS_Germline_v1.3.4, this variant is classified as VUS-3B. Following criteria are met: 0105 - The mechanism of disease for this gene is not clearly established, however gain of function has been suggested (PMID: 20656787). (I) 0107 - This gene is associated with autosomal dominant disease. (I) 0200 - Variant is predicted to result in a missense amino acid change from arginine to cysteine. (I) 0251 - This variant is heterozygous. (I) 0302 - Variant is present in gnomAD (v2) <0.001 for a dominant condition (6 heterozygotes, 0 homozygotes). (SP) 0309 - An alternative amino acid change at the same position has been observed in gnomAD (v2) (7 heterozygotes, 0 homozygotes). (I) 0501 - Missense variant consistently predicted to be damaging by multiple in silico tools and highly conserved with a major amino acid change. (SP) 0600 - Variant is located in the annotated myosin head (motor domain) (NCBI). (I) 0705 - No comparable missense variants have previous evidence for pathogenicity. (I) 0809 - Previous evidence of pathogenicity for this variant is inconclusive. This variant has previously been reported as a VUS (ClinVar, LOVD). (I) 0905 - No published segregation evidence has been identified for this variant. (I) 1007 - No published functional evidence has been identified for this variant. (I) Legend: (SP) - Supporting pathogenic, (I) - Information, (SB) - Supporting benign

Laboratory for Molecular Medicine, Mass General Brigham Personalized Medicine
Classification: Uncertain significance. Last evaluated: 2015-08-25. Review status: criteria provided, single submitter. Criteria: LMM Criteria. Collection method: clinical testing. Allele origin: germline. Observed: 1 variant allele.
Comment: The p.Arg696Cys variant in MYH6 has not been previously reported in individuals with cardiomyopathy, but has been identified in 1/16512 South Asian chromosomes by the Exome Aggregation Consortium (ExAC; dbSNP rs778886029). Computational prediction tools and conservation analysis suggest that the p.Arg696Cys variant may impact the protein, though this information is not predictive enough to determine pathogenicity. In summary, the clinical signi ficance of the p.Arg696Cys variant is uncertain.

Clinical Genetics DNA and cytogenetics Diagnostics Lab, Erasmus MC, Erasmus Medical Center
Classification: Uncertain significance. Review status: no assertion criteria provided. Collection method: clinical testing. Allele origin: germline. Affected: yes. Study: VKGL Data-share Consensus. Not counted in ClinVar's aggregate classification.

Joint Genome Diagnostic Labs from Nijmegen and Maastricht, Radboudumc and MUMC+
Classification: Uncertain significance. Review status: no assertion criteria provided. Collection method: clinical testing. Allele origin: germline. Affected: yes. Study: VKGL Data-share Consensus. Not counted in ClinVar's aggregate classification.

Literature cited by the submitters: PubMed 35993536 (cited by Ambry Genetics and Labcorp Genetics (formerly Invitae), Labcorp); PubMed 20656787 (cited by Victorian Clinical Genetics Services, Murdoch Childrens Research Institute).